The following is an entry in ClinVar:

ClinVar aggregate classification (germline): Uncertain significance (1 of 4 stars; one submission).

Submission:

ISCA site 4
Classification: Uncertain significance. Last evaluated: 2011-08-12. Review status: criteria provided, single submitter. Criteria: Kaminsky et al. (Genet Med. 2011). Collection method: clinical testing. Allele origin: unknown. Affected: yes. Observed: 1 variant allele.
Comment: Copy number variation identified through the course of routine clinical cytogenomic testing in postnatal populations. Clinical assertions have been curated as described in Kaminsky et al. 2011.

GRCh38/hg38 5q21.2-21.3(chr5:104482674-105488260)x3

Genes: LOC105379109 (uncharacterized LOC105379109; minus strand), LOC129389334 (MPRA-validated peak5386 silencer; plus strand), LOC129389335 (MPRA-validated peak5387 silencer; plus strand), LOC132089159 (Neanderthal introgressed variant-containing enhancer experimental_80648; plus strand), LOC132089160 (Neanderthal introgressed variant-containing enhancer experimental_80715; plus strand). Cytogenetic location: 5q21.2-21.3.
Variant type: copy number gain.
Change: copy number 3 (three copies instead of two) of chr5:104,482,674-105,488,260 (1.01 Mb, GRCh38 coordinates, 1-based), cytogenetic band 5q21.2-21.3.
Identifiers: ClinVar variation 57072 (VCV000057072.1).